The following is an entry in ClinVar:

ClinVar aggregate classification (germline): Pathogenic (0 of 4 stars; one submission).

Conditions:
MYO15A-related disorder. Also called: MYO15A-related condition.

Allele frequency attached by ClinVar (database versions not stated): TOPMed below 0.00001; ExAC 0.00001; gnomAD 0.00001.

Submission:

PreventionGenetics, part of Exact Sciences
Classification: Pathogenic for MYO15A-related condition. Last evaluated: 2023-11-01. Review status: no assertion criteria provided. Collection method: clinical testing. Allele origin: germline.
Comment: The MYO15A c.7720C>T variant is predicted to result in premature protein termination (p.Gln2574*). This variant was reported as pathogenic for autosomal recessive non-syndromic hearing loss (Zarepour. 2019. PubMed ID: 30943474; Wang. 2021. PubMed ID: 33597575). This variant has not been reported in a large population database, indicating this variant is rare. Nonsense variants in MYO15A are expected to be pathogenic. This variant is interpreted as pathogenic.

NM_016239.4(MYO15A):c.7720C>T (p.Gln2574Ter)

Gene: MYO15A (myosin XVA; plus strand). Cytogenetic location: 17p11.2.
Variant type: single nucleotide variant.
Coding change: c.7720C>T on transcript NM_016239.4 (MANE Select); coding-DNA position 7720, C replaced by T.
Protein change: p.Gln2574Ter; replaces glutamine 2574 with a stop codon.
Molecular consequence: nonsense.
Genome position (GRCh38, 1-based): chr17:18,151,460, C>T. VCF-style: chr17-18151460-C-T. GRCh37 (hg19) VCF-style: chr17-18054774-C-T.
Other names: short protein forms Q2574*.
Identifiers: ClinVar variation 3034139 (VCV003034139.2), dbSNP rs757066608, ClinGen allele CA8424926.